The following is an entry in ClinVar:

ClinVar aggregate classification (germline): Uncertain significance (1 of 4 stars; one submission).

Conditions:
Landau-Kleffner syndrome (FESD). Also called: APHASIA, ACQUIRED, WITH EPILEPSY; EPILEPSY, FOCAL, WITH SPEECH DISORDER AND WITH OR WITHOUT MENTAL RETARDATION. Identifiers: Orphanet 1945, Orphanet 725, Orphanet 98818, MedGen C0282512, MONDO:0009509, OMIM 245570.

Allele frequency attached by ClinVar (database versions not stated): gnomAD exomes below 0.00001.
gnomAD v4.1: 1 of 1,452,180 alleles (0.000069%); highest among the groups gnomAD compares: Non-Finnish European, 0.000091%; no homozygotes.

Submission:

Labcorp Genetics (formerly Invitae), Labcorp
Classification: Uncertain significance for Landau-Kleffner syndrome. Last evaluated: 2021-08-06. Review status: criteria provided, single submitter. Criteria: Invitae Variant Classification Sherloc (09022015). Collection method: clinical testing. Allele origin: germline.
Comment: This sequence change replaces aspartic acid with histidine at codon 1115 of the GRIN2A protein (p.Asp1115His). The aspartic acid residue is moderately conserved and there is a moderate physicochemical difference between aspartic acid and histidine. This variant is not present in population databases (ExAC no frequency). This variant has not been reported in the literature in individuals with GRIN2A-related conditions. Advanced modeling of protein sequence and biophysical properties (such as structural, functional, and spatial information, amino acid conservation, physicochemical variation, residue mobility, and thermodynamic stability) performed at Invitae indicates that this missense variant is not expected to disrupt GRIN2A protein function. In summary, the available evidence is currently insufficient to determine the role of this variant in disease. Therefore, it has been classified as a Variant of Uncertain Significance.

NM_001134407.3(GRIN2A):c.3343G>C (p.Asp1115His)

Gene: GRIN2A (glutamate ionotropic receptor NMDA type subunit 2A; minus strand). Cytogenetic location: 16p13.2.
Variant type: single nucleotide variant.
Coding change: c.3343G>C on transcript NM_001134407.3 (MANE Select); coding-DNA position 3343, G replaced by C.
Protein change: p.Asp1115His; replaces aspartic acid 1115 with histidine.
Molecular consequence: missense variant.
Genome position (GRCh38, 1-based): chr16:9,764,201, C>G on the plus strand (G>C on the coding strand, the complement: GRIN2A is on the minus strand). VCF-style: chr16-9764201-C-G. GRCh37 (hg19) VCF-style: chr16-9858058-C-G.
Other names: c.3343G>C, p.Asp1115His (NM_000833.5, NM_001134408.2); short protein forms D1115H.
Identifiers: ClinVar variation 1060351 (VCV001060351.9), dbSNP rs1006805133, ClinGen allele CA277537427.